The following is an entry in ClinVar:

ClinVar aggregate classification (germline): Likely benign. Review status: criteria provided, multiple submitters, no conflicts (2 of 4 stars). 4 submissions from 4 submitters: Likely benign (4). Last evaluated 2026-04-01.

Allele frequency attached by ClinVar (database versions not stated): gnomAD exomes 0.00002; 1000 Genomes Project 30x 0.00042.
gnomAD v4.1: 21 of 1,209,743 alleles (0.0017%); highest among the groups gnomAD compares: Admixed American, 0.042%; no homozygotes.

Submissions (4):

CeGaT Center for Human Genetics Tuebingen
Classification: Likely benign. Last evaluated: 2026-04-01. Review status: criteria provided, single submitter. Criteria: CeGaT Center For Human Genetics Tuebingen Variant Classification Criteria Version 2. Collection method: clinical testing. Allele origin: germline. Affected: yes. Observed: 3 variant alleles.
Comment: NEXMIF: BP4, BS2

Labcorp Genetics (formerly Invitae), Labcorp
Classification: Likely benign. Last evaluated: 2025-10-16. Review status: criteria provided, single submitter. Criteria: Invitae Variant Classification Sherloc (09022015). Collection method: clinical testing. Allele origin: germline.

GeneDx
Classification: Likely benign. Last evaluated: 2021-03-26. Review status: criteria provided, single submitter. Criteria: GeneDx Variant Classification Process June 2021. Collection method: clinical testing. Allele origin: germline. Affected: yes.

Breakthrough Genomics
Classification: Likely benign. Review status: criteria provided, single submitter. Criteria: ACMG Guidelines, 2015. Collection method: not provided. Allele origin: germline. Inheritance: X-linked inheritance. Affected: yes.

NM_001008537.3(NEXMIF):c.2841G>A (p.Lys947=)

Gene: NEXMIF (neurite extension and migration factor; minus strand). Cytogenetic location: Xq13.3.
Variant type: single nucleotide variant.
Coding change: c.2841G>A on transcript NM_001008537.3 (MANE Select); coding-DNA position 2841, G replaced by A.
Protein change: p.Lys947=; no amino-acid change (lysine 947 retained).
Molecular consequence: synonymous variant.
Genome position (GRCh38, 1-based): chrX:74,741,716, C>T on the plus strand (G>A on the coding strand, the complement: NEXMIF is on the minus strand). VCF-style: chrX-74741716-C-T. GRCh37 (hg19) VCF-style: chrX-73961551-C-T.
Identifiers: ClinVar variation 1138434 (VCV001138434.17), dbSNP rs772632995, ClinGen allele CA10455003.